The following is an entry in ClinVar:

ClinVar aggregate classification (germline): Uncertain significance. Review status: criteria provided, multiple submitters, no conflicts (2 of 4 stars). 3 submissions from 3 submitters: Uncertain significance (3). Last evaluated 2024-01-29.

Conditions:
Inborn genetic diseases. Identifiers: MedGen C0950123, MeSH D030342.
Developmental and epileptic encephalopathy, 18 (DEE18). Also called: Early infantile epileptic encephalopathy 18. Identifiers: Orphanet 369894, MedGen C3809624, MONDO:0014201, OMIM 615476.

Allele frequency attached by ClinVar (database versions not stated): gnomAD 0.00001; TOPMed 0.00001.
gnomAD v4.1: 9 of 1,612,968 alleles (0.00056%); highest among the groups gnomAD compares: Middle Eastern, 0.017%; no homozygotes.

Submissions (3):

Labcorp Genetics (formerly Invitae), Labcorp
Classification: Uncertain significance. Last evaluated: 2024-01-29. Review status: criteria provided, single submitter. Criteria: Invitae Variant Classification Sherloc (09022015). Collection method: clinical testing. Allele origin: germline.
Comment: This sequence change replaces arginine, which is basic and polar, with glutamine, which is neutral and polar, at codon 1878 of the SZT2 protein (p.Arg1878Gln). This variant also falls at the last nucleotide of exon 39, which is part of the consensus splice site for this exon. The frequency data for this variant in the population databases is considered unreliable, as metrics indicate poor data quality at this position in the gnomAD database. This variant has not been reported in the literature in individuals affected with SZT2-related conditions. ClinVar contains an entry for this variant (Variation ID: 937340). Algorithms developed to predict the effect of missense changes on protein structure and function output the following: SIFT: "Not Available"; PolyPhen-2: "Benign"; Align-GVGD: "Not Available". The glutamine amino acid residue is found in multiple mammalian species, which suggests that this missense change does not adversely affect protein function. Variants that disrupt the consensus splice site are a relatively common cause of aberrant splicing (PMID: 17576681, 9536098). In summary, the available evidence is currently insufficient to determine the role of this variant in disease. Therefore, it has been classified as a Variant of Uncertain Significance.

Genome-Nilou Lab
Classification: Uncertain significance for Developmental and epileptic encephalopathy, 18. Last evaluated: 2023-04-11. Review status: criteria provided, single submitter. Criteria: ACMG Guidelines, 2015. Collection method: clinical testing. Allele origin: germline. Affected: no.

Ambry Genetics
Classification: Uncertain significance for Inborn genetic diseases. Last evaluated: 2018-01-29. Review status: criteria provided, single submitter. Criteria: Ambry Variant Classification Scheme 2023. Collection method: clinical testing. Allele origin: germline.
Comment: The c.5633G>A variant (also known as p.R1878Q), located in coding exon 39 of the SZT2 gene, results from a G to A substitution at nucleotide position 5633. The amino acid change results in arginine to glutamine at codon 1878, an amino acid with highly similar properties. However, this change occurs in the last base pair of coding exon 39, which makes it likely to have some effect on normal mRNA splicing. Both the nucleotide and amino acid position are not well conserved in available vertebrate species, and glutamine is the reference amino acid in other vertebrate species. Using the BDGP and ESEfinder splice site prediction tools, this alteration is predicted to weaken the efficiency of the native splice donor site; however, direct evidence is unavailable. In addition, this alteration is predicted to be tolerated by in silico analysis. Since supporting evidence is limited at this time, the clinical significance of this alteration remains unclear.

Literature cited by the submitters: PubMed 17576681 (cited by Labcorp Genetics (formerly Invitae), Labcorp); PubMed 9536098 (cited by Labcorp Genetics (formerly Invitae), Labcorp).

NM_001365999.1(SZT2):c.5804G>A (p.Arg1935Gln)

Gene: SZT2 (SZT2 subunit of KICSTOR complex; plus strand). Cytogenetic location: 1p34.2.
Variant type: single nucleotide variant.
Coding change: c.5804G>A on transcript NM_001365999.1 (MANE Select); coding-DNA position 5804, G replaced by A.
Protein change: p.Arg1935Gln; replaces arginine 1935 with glutamine.
Molecular consequence: missense variant.
Genome position (GRCh38, 1-based): chr1:43,433,190, G>A. VCF-style: chr1-43433190-G-A. GRCh37 (hg19) VCF-style: chr1-43898861-G-A.
Other names: c.5633G>A, p.Arg1878Gln (NM_015284.4); short protein forms R1878Q, R1935Q.
Identifiers: ClinVar variation 937340 (VCV000937340.11), dbSNP rs771676834, ClinGen allele CA340026535.